The following is an entry in ClinVar:

ClinVar aggregate classification (germline): Uncertain significance. Review status: criteria provided, multiple submitters, no conflicts (2 of 4 stars). 12 submissions from 12 submitters: Uncertain significance (12). Last evaluated 2026-03-06.

Conditions:
MYH7-related disorder. Also called: MYH7-related condition; MYH7-related disease; MYH7-related disorders.
Cardiovascular phenotype. Identifiers: MedGen CN230736.
Cardiomyopathy (CMYO). Also called: Cardiomyopathies. Identifiers: Orphanet 167848, MedGen C0878544, MONDO:0004994, HP:0001638. Inheritance: Various modes of inheritance.
Hypertrophic cardiomyopathy. Also called: HYPERTROPHIC MYOCARDIOPATHY. Identifiers: Orphanet 217569, MedGen C0007194, MeSH D002312, MONDO:0005045, HP:0001639.

Allele frequency attached by ClinVar (database versions not stated): gnomAD exomes 0.00003 and 0.00005; ExAC 0.00008; TOPMed 0.00009; gnomAD 0.00011; 1000 Genomes Project 0.00020; 1000 Genomes Project 30x 0.00031.
gnomAD v4.1: 70 of 1,614,182 alleles (0.0043%); highest among the groups gnomAD compares: Middle Eastern, 0.033%; no homozygotes.

Submissions (12):

PreventionGenetics, part of Exact Sciences
Classification: Uncertain significance for MYH7-related condition. Last evaluated: 2026-03-06. Review status: criteria provided, single submitter. Criteria: ACMG Guidelines, 2015. Collection method: clinical testing. Allele origin: germline.
Comment: The MYH7 c.5071G>A variant is predicted to result in the amino acid substitution p.Val1691Met. This variant has been reported in an individual with hypertrophic cardiomyopathy (HCM; Richard et al. 2003. PubMed ID: 12707239) and another individual with dilated cardiomyopathy (DCM; Hershberger et al. 2008. PubMed ID: 19412328). This variant is reported in 0.016% of alleles in individuals of South Asian descent in gnomAD and is interpreted as uncertain in ClinVar (Variation ID: 222731). At this time, the clinical significance of this variant is uncertain due to the absence of conclusive functional and genetic evidence.

Women's Health and Genetics/Laboratory Corporation of America, LabCorp
Classification: Uncertain significance. Last evaluated: 2025-11-04. Review status: criteria provided, single submitter. Criteria: LabCorp Variant Classification Summary - May 2015. Collection method: clinical testing. Allele origin: germline.
Comment: Variant summary: MYH7 c.5071G>A (p.Val1691Met) results in a conservative amino acid change in the encoded protein sequence. Algorithms developed to predict the effect of missense changes on protein structure and function are either unavailable or do not agree on the potential impact of this missense change. The variant allele was found at a frequency of 5.2e-05 in 251326 control chromosomes. This frequency is not significantly higher than estimated for disease-causing variants in MYH7, allowing no conclusion about variant significance. c.5071G>A has been observed in individual(s) affected with hypertrophic cardiomyopathy and dilated cardiomyopathy (Richard_2003, Hershberger_2008, McGurk_2023). These report(s) do not provide unequivocal conclusions about association of the variant with Cardiomyopathy. To our knowledge, no experimental evidence demonstrating an impact on protein function has been reported. The following publications have been ascertained in the context of this evaluation (PMID: 12707239, 19412328, 37652022). ClinVar contains an entry for this variant (Variation ID: 222731). Based on the evidence outlined above, the variant was classified as uncertain significance.

Labcorp Genetics (formerly Invitae), Labcorp
Classification: Uncertain significance for Hypertrophic cardiomyopathy. Last evaluated: 2025-10-24. Review status: criteria provided, single submitter. Criteria: Invitae Variant Classification Sherloc (09022015). Collection method: clinical testing. Allele origin: germline.
Comment: This sequence change replaces valine, which is neutral and non-polar, with methionine, which is neutral and non-polar, at codon 1691 of the MYH7 protein (p.Val1691Met). This variant is present in population databases (rs45464193, gnomAD 0.02%). This missense change has been observed in individual(s) with hypertrophic cardiomyopathy and dilated cardiomyopathy (PMID: 12707239, 19412328, 27247418, 37652022). ClinVar contains an entry for this variant (Variation ID: 222731). Invitae Evidence Modeling of protein sequence and biophysical properties (such as structural, functional, and spatial information, amino acid conservation, physicochemical variation, residue mobility, and thermodynamic stability) indicates that this missense variant is not expected to disrupt MYH7 protein function with a negative predictive value of 95%. In summary, the available evidence is currently insufficient to determine the role of this variant in disease. Therefore, it has been classified as a Variant of Uncertain Significance.

Molecular Diagnostic Laboratory for Inherited Cardiovascular Disease, Montreal Heart Institute
Classification: Uncertain significance for Cardiovascular phenotype. Last evaluated: 2025-04-09. Review status: criteria provided, single submitter. Criteria: ACMG Guidelines, 2015. Collection method: clinical testing. Allele origin: germline. Affected: yes.

Revvity Omics, Revvity
Classification: Uncertain significance. Last evaluated: 2025-03-31. Review status: criteria provided, single submitter. Criteria: ACMG Guidelines, 2015. Collection method: clinical testing. Allele origin: germline.

Mayo Clinic Laboratories, Mayo Clinic
Classification: Uncertain significance. Last evaluated: 2024-12-10. Review status: criteria provided, single submitter. Criteria: ACMG Guidelines, 2015. Collection method: clinical testing. Allele origin: germline. Observed: 1 variant allele.

All of Us Research Program, National Institutes of Health
Classification: Uncertain significance for Cardiomyopathy. Last evaluated: 2024-09-23. Review status: criteria provided, single submitter. Criteria: ACMG Guidelines, 2015. Collection method: clinical testing. Allele origin: germline. Inheritance: Autosomal dominant inheritance. Observed: 14 variant alleles, 14 heterozygotes.
Comment: This missense variant replaces valine with methionine at codon 1691 of the MYH7 protein. Computational prediction suggests that this variant may not impact protein structure and function (internally defined REVEL score threshold <= 0.5, PMID: 27666373). To our knowledge, functional studies have not been reported for this variant. This variant has been reported in an individual affected with hypertrophic cardiomyopathy (PMID: 12707239) and in an individual affected with dilated cardiomyopathy (PMID: 19412328). This variant has been identified in 16/282712 chromosomes in the general population by the Genome Aggregation Database (gnomAD). The available evidence is insufficient to determine the role of this variant in disease conclusively. Therefore, this variant is classified as a Variant of Uncertain Significance.

This study involves interpretation of variants in research participants for the purpose of population health screening. Participant phenotype was not available at the time of variant classification. Additional details can be found in publication PMID: 35346344, PMCID: PMC8962531

Color Diagnostics, LLC DBA Color Health
Classification: Uncertain significance for Cardiomyopathy. Last evaluated: 2024-05-13. Review status: criteria provided, single submitter. Criteria: ACMG Guidelines, 2015. Collection method: clinical testing. Allele origin: germline.
Comment: This missense variant replaces valine with methionine at codon 1691 of the MYH7 protein. Computational prediction tools indicate that this variant has a neutral impact on protein structure and function. To our knowledge, functional studies have not been reported for this variant. This variant has been reported in one individual affected with hypertrophic cardiomyopathy (PMID: 12707239) and in one individual affected with dilated cardiomyopathy (PMID: 19412328). This variant has been identified in 16/282712 chromosomes in the general population by the Genome Aggregation Database (gnomAD). The available evidence is insufficient to determine the role of this variant in disease conclusively. Therefore, this variant is classified as a Variant of Uncertain Significance.

Ambry Genetics
Classification: Uncertain significance for Cardiovascular phenotype. Last evaluated: 2023-12-12. Review status: criteria provided, single submitter. Criteria: Ambry Variant Classification Scheme 2023. Collection method: clinical testing. Allele origin: germline.
Comment: The p.V1691M variant (also known as c.5071G>A), located in coding exon 33 of the MYH7 gene, results from a G to A substitution at nucleotide position 5071. The valine at codon 1691 is replaced by methionine, an amino acid with highly similar properties. This variant has been detected in individuals from hypertrophic cardiomypathy and dilated cardiomyopathy cohorts; however, clinical details were limited (Richard P et al. Circulation, 2003 May;107:2227-32; Hershberger RE et al. Clin Transl Sci, 2008 May;1:21-6). This variant has also been detected in genome sequencing and population-based cohorts in individuals not indicated as having overt cardiomyopathy (Bick AG et al. Am. J. Hum. Genet., 2012 Sep;91:513-9; Kwak SH et al. Exp. Mol. Med., 2017 07;49:e356). This amino acid position is not well conserved in available vertebrate species. In addition, the in silico prediction for this alteration is inconclusive. Since supporting evidence is limited at this time, the clinical significance of this alteration remains unclear.

Blueprint Genetics
Classification: Uncertain significance. Last evaluated: 2021-10-19. Review status: criteria provided, single submitter. Criteria: ACMG Guidelines, 2015. Collection method: clinical testing. Allele origin: germline.

GeneDx
Classification: Uncertain significance. Last evaluated: 2021-09-07. Review status: criteria provided, single submitter. Criteria: GeneDx Variant Classification Process June 2021. Collection method: clinical testing. Allele origin: germline. Affected: yes.
Comment: Reported in ClinVar as a variant of uncertain significance (ClinVar Variant ID# 222731; Landrum et al., 2016); In silico analysis supports that this missense variant does not alter protein structure/function; This variant is associated with the following publications: (PMID: 27247418, 20800588, 23403236, 19412328, 12707239)

CHEO Genetics Diagnostic Laboratory, Children's Hospital of Eastern Ontario
Classification: Uncertain significance for Cardiomyopathy. Last evaluated: 2019-06-11. Review status: criteria provided, single submitter. Criteria: ACMG Guidelines, 2015. Collection method: clinical testing. Allele origin: germline. Study: Canadian Open Genetics Repository.

Literature cited by the submitters: PubMed 12707239 (cited by 6 submitters); PubMed 19412328 (cited by 6 submitters); PubMed 37652022 (cited by 3 submitters); PubMed 27247418 (cited by 3 submitters); PubMed 20800588 (cited by Mayo Clinic Laboratories, Mayo Clinic); PubMed 22958901 (cited by Mayo Clinic Laboratories, Mayo Clinic and Ambry Genetics); PubMed 25961035 (cited by Mayo Clinic Laboratories, Mayo Clinic); PubMed 28706299 (cited by Mayo Clinic Laboratories, Mayo Clinic and Ambry Genetics); PubMed 30681346 (cited by Mayo Clinic Laboratories, Mayo Clinic); PubMed 31028938 (cited by Mayo Clinic Laboratories, Mayo Clinic); PubMed 35538921 (cited by Mayo Clinic Laboratories, Mayo Clinic).

NM_000257.4(MYH7):c.5071G>A (p.Val1691Met)

Genes: MHRT (myosin heavy chain associated RNA transcript; plus strand), MYH7 (myosin heavy chain 7; minus strand), LOC126861897 (BRD4-independent group 4 enhancer GRCh37_chr14:23884455-23885654; plus strand). Cytogenetic location: 14q11.2.
Variant type: single nucleotide variant.
Coding change: c.5071G>A on transcript NM_000257.4 (MANE Select); coding-DNA position 5071, G replaced by A.
Protein change: p.Val1691Met; replaces valine 1691 with methionine.
Molecular consequence: missense variant. On other transcripts: non-coding transcript variant (1).
Genome position (GRCh38, 1-based): chr14:23,415,715, C>T on the plus strand (G>A on the coding strand, the complement: MYH7 is on the minus strand). VCF-style: chr14-23415715-C-T. GRCh37 (hg19) VCF-style: chr14-23884924-C-T.
Other names: p.Val1691Met; c.5071G>A (LRG_384t1); short protein forms V1691M.
Identifiers: ClinVar variation 222731 (VCV000222731.31), dbSNP rs45464193, ClinGen allele CA045220.
Genomic context (GRCh38, chr14:23,415,715, plus strand): 5'-CACTAGTCTCAATCAGCTCCTGCTCCGCCAGCTTCCGGGACCGCTCTGTCTGCTCCACCA[C>T]GGCACGCAACTCCTCCAGCTCAGCCTGCAGCAGGTTGTTGCGCCGCTCCACGATGGCGAT-3'
Protein context (NP_000248.2, residues 1681-1701): LQAELEELRA[Val1691Met]VEQTERSRKL